The following is an entry in ClinVar:

ClinVar aggregate classification (germline): Conflicting classifications of pathogenicity. Review status: criteria provided, conflicting classifications (1 of 4 stars). 2 submissions from 2 submitters: Uncertain significance (1); Likely benign (1). Last evaluated 2025-11-05.

Conditions:
Familial hypobetalipoproteinemia 1. Also called: Hypobetalipoproteinemia, normotriglyceridemic; Acanthocytosis with hypobetalipoproteinemia; APOB-Related Familial Hypobetalipoproteinemia. Identifiers: MedGen C4551990, MONDO:0014252, OMIM 615558.
Hypercholesterolemia, autosomal dominant, type B (FHCL2). Also called: Familial Hypercholesterolemia Type B; HYPERCHOLESTEROLEMIA, FAMILIAL, DUE TO LIGAND-DEFECTIVE APOLIPOPROTEIN B; Familial hypercholesterolemia 2; APOB-Related Familial Hypercholesterolemia, Autosomal Dominant; APOLIPOPROTEIN B-100, FAMILIAL DEFECTIVE; APOLIPOPROTEIN B-100, FAMILIAL LIGAND-DEFECTIVE. Identifiers: MedGen C1704417, MONDO:0007751, OMIM 144010.

Allele frequency attached by ClinVar (database versions not stated): TOPMed 0.00002; ExAC 0.00004.

Submissions (2):

Labcorp Genetics (formerly Invitae), Labcorp
Classification: Likely benign for Familial hypobetalipoproteinemia 1; Hypercholesterolemia, autosomal dominant, type B. Last evaluated: 2025-11-05. Review status: criteria provided, single submitter. Criteria: Invitae Variant Classification Sherloc (09022015). Collection method: clinical testing. Allele origin: germline.

GeneDx
Classification: Uncertain significance. Last evaluated: 2025-01-09. Review status: criteria provided, single submitter. Criteria: GeneDx Variant Classification Process June 2021. Collection method: clinical testing. Allele origin: germline. Affected: yes.
Comment: In silico analysis supports that this missense variant has a deleterious effect on protein structure/function; Has not been previously published as pathogenic or benign to our knowledge

NM_000384.3(APOB):c.11873A>G (p.Tyr3958Cys)

Gene: APOB (apolipoprotein B; minus strand). Cytogenetic location: 2p24.1.
Variant type: single nucleotide variant.
Coding change: c.11873A>G on transcript NM_000384.3 (MANE Select); coding-DNA position 11873, A replaced by G.
Protein change: p.Tyr3958Cys; replaces tyrosine 3958 with cysteine.
Molecular consequence: missense variant.
Genome position (GRCh38, 1-based): chr2:21,004,591, T>C on the plus strand (A>G on the coding strand, the complement: APOB is on the minus strand). VCF-style: chr2-21004591-T-C. GRCh37 (hg19) VCF-style: chr2-21227463-T-C.
Other names: short protein forms Y3958C.
Identifiers: ClinVar variation 927678 (VCV000927678.8), dbSNP rs777208936, ClinGen allele CA047844.